The following is an entry in ClinVar:

NM_007327.4(GRIN1):c.1752-1G>A

Gene: GRIN1 (glutamate ionotropic receptor NMDA type subunit 1; plus strand). Cytogenetic location: 9q34.3.
Variant type: single nucleotide variant.
Coding change: c.1752-1G>A on transcript NM_007327.4 (MANE Select); the canonical splice acceptor site of the intron before coding-DNA position 1752, G replaced by A.
Molecular consequence: splice acceptor variant.
Genome position (GRCh38, 1-based): chr9:137,162,403, G>A. VCF-style: chr9-137162403-G-A. GRCh37 (hg19) VCF-style: chr9-140056855-G-A.
Other names: c.1815-1G>A (NM_001185090.2, NM_001185091.2, NM_001185090.1); c.1752-1G>A (NM_021569.4, NM_000832.7).
Identifiers: ClinVar variation 3777175 (VCV003777175.1).

ClinVar aggregate classification (germline): Uncertain significance (1 of 4 stars; one submission).

Conditions:
Neurodevelopmental disorder with or without hyperkinetic movements and seizures, autosomal dominant. Also called: Intellectual disability, autosomal dominant 8. Identifiers: MedGen C3280282, MONDO:0013655, OMIM 614254.
Neurodevelopmental disorder with or without hyperkinetic movements and seizures, autosomal recessive. Identifiers: MedGen C4693325, MONDO:0060629, OMIM 617820.

Submission:

University of Washington Department of Laboratory Medicine, University of Washington
Classification: Uncertain significance for Neurodevelopmental disorder with or without hyperkinetic movements and seizures, autosomal dominant; Neurodevelopmental disorder with or without hyperkinetic movements and seizures, autosomal recessive. Last evaluated: 2022-06-14. Review status: criteria provided, single submitter. Criteria: ACMG Guidelines, 2015. Collection method: clinical testing. Allele origin: unknown. Affected: yes.
Comment: The c.1815-1G>A variant in the GRIN1 gene has not been previously reported in association with disease. The variant has been identified in 1/31370 chromosomes by the Genome Aggregation Database. The variant alters the canonical acceptor splice site in intron 13, which is predicted to result in abnormal gene splicing. However, it is uncertain if altered splicing would lead to an in-frame or out-of-frame change. These predictions have not been tested directly. Additionally, splice variants have not been widely described in GRIN1-related neurodevelopmental disorder. Using ACMG guidelines, this variant was classified as a variant of uncertain significance (ACMG evidence codes used: PVS1_strong, PM2_supporting).